The following is an entry in ClinVar:

NM_001371279.1(REEP1):c.*2995T>C

Gene: REEP1 (receptor accessory protein 1; minus strand). Cytogenetic location: 2p11.2.
Variant type: single nucleotide variant.
Coding change: c.*2995T>C on transcript NM_001371279.1 (MANE Select); 2995 bases downstream of the stop codon, T replaced by C.
Molecular consequence: 3 prime UTR variant.
Genome position (GRCh38, 1-based): chr2:86,214,044, A>G on the plus strand (T>C on the coding strand, the complement: REEP1 is on the minus strand). VCF-style: chr2-86214044-A-G. GRCh37 (hg19) VCF-style: chr2-86441167-A-G.
Other names: c.*3056T>C (NM_001164730.2, NM_001164731.2, NM_022912.3); c.*2995T>C (NM_001164732.2, NM_001371280.1).
Identifiers: ClinVar variation 337343 (VCV000337343.8), dbSNP rs17438464, ClinGen allele CA10614572.

ClinVar aggregate classification (germline): Likely benign. Review status: criteria provided, multiple submitters, no conflicts (2 of 4 stars). 3 submissions from 3 submitters: Likely benign (3). Last evaluated 2018-06-29.

Conditions:
Hereditary spastic paraplegia 31. Also called: SPASTIC PARAPLEGIA 31, AUTOSOMAL DOMINANT. Identifiers: Orphanet 101011, MedGen C1853247, MONDO:0012453, OMIM 610250.

Allele frequency attached by ClinVar (database versions not stated): 1000 Genomes Project 30x 0.01124; 1000 Genomes Project 0.01238; TOPMed 0.01394; gnomAD 0.01493 and 0.01539; gnomAD exomes 0.01917.
gnomAD v4.1: 3,247 of 199,976 alleles (1.6%); highest among the groups gnomAD compares: South Asian, 3.1%; 40 homozygotes.

Submissions (3):

GeneDx
Classification: Likely benign. Last evaluated: 2018-06-29. Review status: criteria provided, single submitter. Criteria: GeneDx Variant Classification Process June 2021. Collection method: clinical testing. Allele origin: germline. Affected: yes.

Illumina Laboratory Services, Illumina
Classification: Likely benign for Hereditary spastic paraplegia 31. Last evaluated: 2017-04-27. Review status: criteria provided, single submitter. Criteria: ICSL Variant Classification Criteria 13 December 2019. Collection method: clinical testing. Allele origin: germline.
Comment: This variant was observed as part of a predisposition screen in an ostensibly healthy population. A literature search was performed for the gene, cDNA change, and amino acid change (where applicable). No publications were found based on this search. Allele frequency data from public databases allowed determination this variant is unlikely to cause disease. Therefore, this variant is classified as likely benign.

Breakthrough Genomics
Classification: Likely benign. Review status: criteria provided, single submitter. Criteria: ACMG Guidelines, 2015. Collection method: not provided. Allele origin: germline. Inheritance: Autosomal recessive inheritance. Affected: yes.